The following is an entry in ClinVar:

NM_001276270.2(MBD4):c.99C>G (p.Asp33Glu)

Gene: MBD4 (methyl-CpG binding domain 4, DNA glycosylase; minus strand). Cytogenetic location: 3q21.3.
Variant type: single nucleotide variant.
Coding change: c.99C>G on transcript NM_001276270.2 (MANE Select); coding-DNA position 99, C replaced by G.
Protein change: p.Asp33Glu; replaces aspartic acid 33 with glutamic acid.
Molecular consequence: missense variant.
Genome position (GRCh38, 1-based): chr3:129,439,735, G>C on the plus strand (C>G on the coding strand, the complement: MBD4 is on the minus strand). VCF-style: chr3-129439735-G-C. GRCh37 (hg19) VCF-style: chr3-129158578-G-C.
Other names: c.99C>G, p.Asp33Glu (NM_001276271.2, NM_001276272.2, NM_001276273.2 and 1 more transcripts); short protein forms D33E.
Identifiers: ClinVar variation 4771254 (VCV004771254.1).

ClinVar aggregate classification (germline): Uncertain significance (1 of 4 stars; one submission).

Submission:

Labcorp Genetics (formerly Invitae), Labcorp
Classification: Uncertain significance. Last evaluated: 2025-06-22. Review status: criteria provided, single submitter. Criteria: Invitae Variant Classification Sherloc (09022015). Collection method: clinical testing. Allele origin: germline.
Comment: This sequence change replaces aspartic acid, which is acidic and polar, with glutamic acid, which is acidic and polar, at codon 33 of the MBD4 protein (p.Asp33Glu). This variant is not present in population databases (gnomAD no frequency). This variant has not been reported in the literature in individuals affected with MBD4-related conditions. An algorithm developed to predict the effect of missense changes on protein structure and function (PolyPhen-2) suggests that this variant is likely to be tolerated. In summary, the available evidence is currently insufficient to determine the role of this variant in disease. Therefore, it has been classified as a Variant of Uncertain Significance.